The following is an entry in ClinVar:

ClinVar aggregate classification (germline): Conflicting classifications of pathogenicity. Review status: criteria provided, conflicting classifications (1 of 4 stars). 2 submissions from 2 submitters: Uncertain significance (1); Likely benign (1). Last evaluated 2025-10-23.

Conditions:
Inborn genetic diseases. Identifiers: MedGen C0950123, MeSH D030342.
Hepatic methionine adenosyltransferase deficiency. Also called: Deficiency of methionine adenosyltransferase; Methionine adenosyltransferase deficiency; MAT I/III DEFICIENCY; Isolated Persistent Hypermethioninemia. Identifiers: Orphanet 168598, MedGen C0268621, MeSH C564683, MONDO:0009607, OMIM 250850.

Allele frequency attached by ClinVar (database versions not stated): gnomAD exomes below 0.00001.

Submissions (2):

Ambry Genetics
Classification: Likely benign for Inborn genetic diseases. Last evaluated: 2025-10-23. Review status: criteria provided, single submitter. Criteria: Ambry Variant Classification Scheme 2023. Collection method: clinical testing. Allele origin: germline.

Labcorp Genetics (formerly Invitae), Labcorp
Classification: Uncertain significance for Hepatic methionine adenosyltransferase deficiency. Last evaluated: 2020-06-12. Review status: criteria provided, single submitter. Criteria: Invitae Variant Classification Sherloc (09022015). Collection method: clinical testing. Allele origin: germline.
Comment: This sequence change replaces arginine with lysine at codon 228 of the MAT1A protein (p.Arg228Lys). The arginine residue is weakly conserved and there is a small physicochemical difference between arginine and lysine. In summary, the available evidence is currently insufficient to determine the role of this variant in disease. Therefore, it has been classified as a Variant of Uncertain Significance. Algorithms developed to predict the effect of missense changes on protein structure and function output the following: SIFT: "Tolerated"; PolyPhen-2: "Benign"; Align-GVGD: "Class C0". The lysine amino acid residue is found in multiple mammalian species, suggesting that this missense change does not adversely affect protein function. These predictions have not been confirmed by published functional studies and their clinical significance is uncertain. This variant has not been reported in the literature in individuals with MAT1A-related conditions. This variant is not present in population databases (ExAC no frequency).

NM_000429.3(MAT1A):c.683G>A (p.Arg228Lys)

Gene: MAT1A (methionine adenosyltransferase 1A; minus strand). Cytogenetic location: 10q22.3.
Variant type: single nucleotide variant.
Coding change: c.683G>A on transcript NM_000429.3 (MANE Select); coding-DNA position 683, G replaced by A.
Protein change: p.Arg228Lys; replaces arginine 228 with lysine.
Molecular consequence: missense variant.
Genome position (GRCh38, 1-based): chr10:80,276,461, C>T on the plus strand (G>A on the coding strand, the complement: MAT1A is on the minus strand). VCF-style: chr10-80276461-C-T. GRCh37 (hg19) VCF-style: chr10-82036217-C-T.
Other names: c.683G>A (NM_000429.2); short protein forms R228K.
Identifiers: ClinVar variation 1008331 (VCV001008331.10), dbSNP rs1346664920, ClinGen allele CA377361957.